The following is an entry in ClinVar:

ClinVar aggregate classification (germline): Conflicting classifications of pathogenicity. Review status: criteria provided, conflicting classifications (1 of 4 stars). 2 submissions from 2 submitters: Uncertain significance (1); Benign (1). Last evaluated 2025-01-23.

Conditions:
Developmental and epileptic encephalopathy 94 (DEE94). Also called: CHD2-Related Neurodevelopmental Disorders; Epileptic encephalopathy, childhood-onset. Identifiers: Orphanet 1942, Orphanet 2382, MedGen C3809278, MONDO:0014150, OMIM 615369.

Allele frequency attached by ClinVar (database versions not stated): gnomAD exomes below 0.00001 and 0.00001; TOPMed 0.00001; gnomAD 0.00002.
gnomAD v4.1: 17 of 1,580,918 alleles (0.0011%); highest among the groups gnomAD compares: Non-Finnish European, 0.0014%; no homozygotes.

Submissions (2):

Labcorp Genetics (formerly Invitae), Labcorp
Classification: Benign for Developmental and epileptic encephalopathy 94. Last evaluated: 2025-01-23. Review status: criteria provided, single submitter. Criteria: Invitae Variant Classification Sherloc (09022015). Collection method: clinical testing. Allele origin: germline.

GeneDx
Classification: Uncertain significance. Last evaluated: 2021-06-30. Review status: criteria provided, single submitter. Criteria: GeneDx Variant Classification Process June 2021. Collection method: clinical testing. Allele origin: germline. Affected: yes.
Comment: Has not been previously published as pathogenic or benign to our knowledge; In silico analysis, which includes splice predictors and evolutionary conservation, suggests this variant may impact gene splicing. In the absence of RNA/functional studies, the actual effect of this sequence change is unknown.; This variant is associated with the following publications: (PMID: 27535533)

NM_001271.4(CHD2):c.1170A>G (p.Lys390=)

Gene: CHD2 (chromodomain helicase DNA binding protein 2; plus strand). Cytogenetic location: 15q26.1.
Variant type: single nucleotide variant.
Coding change: c.1170A>G on transcript NM_001271.4 (MANE Select); coding-DNA position 1170, A replaced by G.
Protein change: p.Lys390=; no amino-acid change (lysine 390 retained).
Molecular consequence: synonymous variant.
Genome position (GRCh38, 1-based): chr15:92,945,837, A>G. VCF-style: chr15-92945837-A-G. GRCh37 (hg19) VCF-style: chr15-93489067-A-G.
Other names: c.1170A>G, p.Lys390= (NM_001042572.3).
Identifiers: ClinVar variation 703718 (VCV000703718.16), dbSNP rs1342167975, ClinGen allele CA492498660.